The following is an entry in ClinVar:

ClinVar aggregate classification (germline): Uncertain significance (0 of 4 stars; one submission).

Submission:

Laboratory for Molecular Medicine, Mass General Brigham Personalized Medicine
Classification: Uncertain significance. Last evaluated: 2008-03-01. Review status: no assertion criteria provided. Collection method: clinical testing. Allele origin: germline. Observed: 1 variant allele.
Comment: proposed classification - variant undergoing re-assessment, contact laboratory

NM_000256.3(MYBPC3):c.2436G>T (p.Lys812Asn)

Gene: MYBPC3 (myosin binding protein C3; minus strand). Cytogenetic location: 11p11.2.
Variant type: single nucleotide variant.
Coding change: c.2436G>T on transcript NM_000256.3 (MANE Select); coding-DNA position 2436, G replaced by T.
Protein change: p.Lys812Asn; replaces lysine 812 with asparagine.
Molecular consequence: missense variant.
Genome position (GRCh38, 1-based): chr11:47,337,557, C>A on the plus strand (G>T on the coding strand, the complement: MYBPC3 is on the minus strand). VCF-style: chr11-47337557-C-A. GRCh37 (hg19) VCF-style: chr11-47359108-C-A.
Other names: short protein forms K812N.
Identifiers: ClinVar variation 177640 (VCV000177640.4), dbSNP rs727504251, ClinGen allele CA012261.